The following is an entry in ClinVar:

ClinVar aggregate classification (germline): Uncertain significance (1 of 4 stars; one submission).

Submission:

GeneDx
Classification: Uncertain significance. Last evaluated: 2019-09-25. Review status: criteria provided, single submitter. Criteria: GeneDx Variant Classification Process June 2021. Collection method: clinical testing. Allele origin: germline. Affected: yes.
Comment: Not observed in large population cohorts (Lek et al., 2016); In silico analysis, which includes protein predictors and evolutionary conservation, supports a deleterious effect; Has not been previously published as pathogenic or benign to our knowledge

NM_133433.4(NIPBL):c.6658T>G (p.Leu2220Val)

Gene: NIPBL (NIPBL cohesin loading factor; plus strand). Cytogenetic location: 5p13.2.
Variant type: single nucleotide variant.
Coding change: c.6658T>G on transcript NM_133433.4 (MANE Select); coding-DNA position 6658, T replaced by G.
Protein change: p.Leu2220Val; replaces leucine 2220 with valine.
Molecular consequence: missense variant.
Genome position (GRCh38, 1-based): chr5:37,048,570, T>G. VCF-style: chr5-37048570-T-G. GRCh37 (hg19) VCF-style: chr5-37048672-T-G.
Other names: c.6658T>G, p.Leu2220Val (NM_015384.5); short protein forms L2220V.
Identifiers: ClinVar variation 1312475 (VCV001312475.2), dbSNP rs2149736998, ClinGen allele CA359508180.